The following is an entry in ClinVar:

NM_002907.4(RECQL):c.1628AGA[1] (p.Lys544del)

Gene: RECQL (RecQ like helicase; minus strand). Cytogenetic location: 12p12.1.
Variant type: Microsatellite.
Coding change: c.1628AGA[1] on transcript NM_002907.4 (MANE Select); one copy of the 3-base unit AGA starting at c.1628; the reference has two copies in a row; one copy, 3 bases deleted.
Protein change: p.Lys544del; deletes lysine 544.
Molecular consequence: inframe deletion.
Genome position (GRCh38, 1-based): chr12:21,471,462-21,471,464, TCT deleted on the plus strand (AGA on the coding strand, the reverse complement: RECQL is on the minus strand); deleting any 3 consecutive bases within chr12:21,471,462-21,471,467 gives the same sequence; the position shown is the placement nearest the transcript's 3' end. VCF-style (leftmost placement, unchanged base first): chr12-21471461-ATCT-A. GRCh37 (hg19) VCF-style: chr12-21624395-ATCT-A.
Other names: c.1631_1633delAGA (NM_002907.3); c.1628AGA[1], p.Lys544del (NM_032941.3); short protein forms K544del.
Identifiers: ClinVar variation 1700838 (VCV001700838.10), dbSNP rs749841294, ClinGen allele CA6478704.

ClinVar aggregate classification (germline): Uncertain significance. Review status: criteria provided, multiple submitters, no conflicts (2 of 4 stars). 3 submissions from 3 submitters: Uncertain significance (3). Last evaluated 2025-05-02.

Submissions (3):

Labcorp Genetics (formerly Invitae), Labcorp
Classification: Uncertain significance. Last evaluated: 2025-05-02. Review status: criteria provided, single submitter. Criteria: Invitae Variant Classification Sherloc (09022015). Collection method: clinical testing. Allele origin: germline.
Comment: This variant, c.1631_1633del, results in the deletion of 1 amino acid(s) of the RECQL protein (p.Lys544del), but otherwise preserves the integrity of the reading frame. This variant is present in population databases (rs749841294, gnomAD 0.007%). This variant has not been reported in the literature in individuals affected with RECQL-related conditions. ClinVar contains an entry for this variant (Variation ID: 1700838). Experimental studies and prediction algorithms are not available or were not evaluated, and the functional significance of this variant is currently unknown. In summary, the available evidence is currently insufficient to determine the role of this variant in disease. Therefore, it has been classified as a Variant of Uncertain Significance.

GeneDx
Classification: Uncertain significance. Last evaluated: 2023-10-08. Review status: criteria provided, single submitter. Criteria: GeneDx Variant Classification Process June 2021. Collection method: clinical testing. Allele origin: germline. Affected: yes.
Comment: In-frame deletion of one amino acid in a non-repeat region; In silico analysis supports a deleterious effect on protein structure/function; Has not been previously published as pathogenic or benign to our knowledge; Not observed at significant frequency in large population cohorts (gnomAD); Variants in candidate genes are classified as variants of uncertain significance in accordance with ACMG guidelines (Richards et al., 2015); This variant is associated with the following publications: (PMID: 23396353, 27248010, 19151156)

Ambry Genetics
Classification: Uncertain significance. Last evaluated: 2022-12-14. Review status: criteria provided, single submitter. Criteria: Ambry Variant Classification Scheme 2023. Collection method: clinical testing. Allele origin: germline.
Comment: The c.1631_1633delAGA variant (also known as p.K544del) is located in coding exon 12 of the RECQL gene. This variant results from an in-frame AGA deletion at nucleotide positions 1631 to 1633. This results in the in-frame deletion of a lysine at codon 544. This amino acid position is not well conserved in available vertebrate species. In addition, this alteration is predicted to be deleterious by in silico analysis (Choi Y et al. PLoS ONE. 2012; 7(10):e46688). The evidence for this gene-disease relationship is limited; therefore, the clinical significance of this alteration is unclear.